The following is an entry in ClinVar:

ClinVar aggregate classification (germline): Uncertain significance (1 of 4 stars; one submission).

Conditions:
Pityriasis rubra pilaris (PRP). Also called: Pityriasis rubra pilaris--familial type. Identifiers: Orphanet 2897, MedGen C0032027, MONDO:0100017, OMIM 173200, MONDO:0008251.
Psoriasis 2. Identifiers: MedGen C1864497, MONDO:0011269, OMIM 602723.

Allele frequency attached by ClinVar (database versions not stated): gnomAD exomes below 0.00001; gnomAD 0.00001; TOPMed 0.00001.
gnomAD v4.1: 7 of 1,589,316 alleles (0.00044%); highest among the groups gnomAD compares: African/African-American, 0.0013%; no homozygotes.

Submission:

Labcorp Genetics (formerly Invitae), Labcorp
Classification: Uncertain significance for Pityriasis rubra pilaris; Psoriasis 2. Last evaluated: 2026-01-08. Review status: criteria provided, single submitter. Criteria: Invitae Variant Classification Sherloc (09022015). Collection method: clinical testing. Allele origin: germline.
Comment: This sequence change replaces glutamic acid, which is acidic and polar, with lysine, which is basic and polar, at codon 16 of the CARD14 protein (p.Glu16Lys). The frequency data for this variant in the population databases is considered unreliable, as metrics indicate poor data quality at this position in the gnomAD database. This variant has not been reported in the literature in individuals affected with CARD14-related conditions. ClinVar contains an entry for this variant (Variation ID: 1944556). Invitae Evidence Modeling of protein sequence and biophysical properties (such as structural, functional, and spatial information, amino acid conservation, physicochemical variation, residue mobility, and thermodynamic stability) has been performed for this missense variant. However, the output from this modeling did not meet the statistical confidence thresholds required to predict the impact of this variant on CARD14 protein function. In summary, the available evidence is currently insufficient to determine the role of this variant in disease. Therefore, it has been classified as a Variant of Uncertain Significance.

NM_001366385.1(CARD14):c.46G>A (p.Glu16Lys)

Gene: CARD14 (caspase recruitment domain family member 14; plus strand). Cytogenetic location: 17q25.3.
Variant type: single nucleotide variant.
Coding change: c.46G>A on transcript NM_001366385.1 (MANE Select); coding-DNA position 46, G replaced by A.
Protein change: p.Glu16Lys; replaces glutamic acid 16 with lysine.
Molecular consequence: missense variant. On other transcripts: non-coding transcript variant (1).
Genome position (GRCh38, 1-based): chr17:80,181,484, G>A. VCF-style: chr17-80181484-G-A. GRCh37 (hg19) VCF-style: chr17-78155283-G-A.
Other names: c.46G>A, p.Glu16Lys (NM_001257970.1, NM_024110.4); short protein forms E16K.
Identifiers: ClinVar variation 1944556 (VCV001944556.5), dbSNP rs1470342016, ClinGen allele CA401352856.
Genomic context (GRCh38, chr17:80,181,484, plus strand): 5'-TCCCAGCGCCCAGCCATGGGGGAACTGTGCCGCAGGGACTCCGCACTCACGGCACTGGAC[G>A]AGGAGACACTGTGGGAGATGATGGAGAGCCACCGCCACAGGATCGTACGCTGCATCTGCC-3'
Protein context (NP_001353314.1, residues 6-26): RRDSALTALD[Glu16Lys]ETLWEMMESH